The following is an entry in ClinVar:

ClinVar aggregate classification (germline): Likely benign (1 of 4 stars; one submission).

Allele frequency attached by ClinVar (database versions not stated): gnomAD 0.00001; gnomAD exomes 0.00001; TOPMed 0.00002; ExAC 0.00003.

Submission:

CeGaT Center for Human Genetics Tuebingen
Classification: Likely benign. Last evaluated: 2023-09-01. Review status: criteria provided, single submitter. Criteria: CeGaT Center For Human Genetics Tuebingen Variant Classification Criteria Version 2. Collection method: clinical testing. Allele origin: germline. Affected: yes. Observed: 1 variant allele.
Comment: TPX2: BP4, BP7

NM_012112.5(TPX2):c.1471T>C (p.Leu491=)

Gene: TPX2 (TPX2 microtubule nucleation factor; plus strand). Cytogenetic location: 20q11.21.
Variant type: single nucleotide variant.
Coding change: c.1471T>C on transcript NM_012112.5 (MANE Select); coding-DNA position 1471, T replaced by C.
Protein change: p.Leu491=; no amino-acid change (leucine 491 retained).
Molecular consequence: synonymous variant.
Genome position (GRCh38, 1-based): chr20:31,792,792, T>C. VCF-style: chr20-31792792-T-C. GRCh37 (hg19) VCF-style: chr20-30380595-T-C.
Identifiers: ClinVar variation 2652251 (VCV002652251.24), dbSNP rs746729105, ClinGen allele CA9802625.